The following is an entry in ClinVar:

NM_002734.5(PRKAR1A):c.590dup (p.Gly198fs)

Gene: PRKAR1A (protein kinase cAMP-dependent type I regulatory subunit alpha; plus strand). Cytogenetic location: 17q24.2.
Variant type: Duplication.
Coding change: c.590dup on transcript NM_002734.5 (MANE Select); coding-DNA position 590, one base duplicated (G; older notation c.590dupG).
Protein change: p.Gly198fs; shifts the reading frame from glycine 198.
Molecular consequence: frameshift variant.
Genome position (GRCh38, 1-based): chr17:68,525,794, G duplicated; the last of 2 consecutive G bases (chr17:68,525,793-68,525,794); duplicating either gives the same sequence. VCF-style (leftmost placement, unchanged base first): chr17-68525792-A-AG. GRCh37 (hg19) VCF-style: chr17-66521933-A-AG.
Other names: c.590dup, p.Gly198fs (NM_001276289.2, NM_001276290.1, NM_001278433.2 and 4 more transcripts); short protein forms G198fs.
Identifiers: ClinVar variation 1075863 (VCV001075863.7), dbSNP rs2143322263, ClinGen allele CA2499224873.
Genomic context (GRCh38, chr17:68,525,792, plus strand): 5'-TTTGATGTCACTTGCACTTTAGGTCTATGTTAACAATGAATGGGCAACCAGTGTTGGGGA[A>AG]GGAGGGAGCTTTGGAGAACTTGCTTTGATTTATGGAACACCGAGAGCAGCCACTGTCAAA-3'

ClinVar aggregate classification (germline): Pathogenic (1 of 4 stars; one submission).

Conditions:
Carney complex, type 1 (CNC1). Also called: CARNEY MYXOMA-ENDOCRINE COMPLEX; CARNEY COMPLEX, TYPE I. Identifiers: Orphanet 1359, MedGen C2607929, MONDO:0008057, OMIM 160980.

Submission:

Labcorp Genetics (formerly Invitae), Labcorp
Classification: Pathogenic for Carney complex, type 1. Last evaluated: 2020-08-30. Review status: criteria provided, single submitter. Criteria: Invitae Variant Classification Sherloc (09022015). Collection method: clinical testing. Allele origin: germline.
Comment: For these reasons, this variant has been classified as Pathogenic. Loss-of-function variants in PRKAR1A are known to be pathogenic (PMID: 11115848, 19293268). This variant has not been reported in the literature in individuals with PRKAR1A-related conditions. This variant is not present in population databases (ExAC no frequency). This sequence change creates a premature translational stop signal (p.Gly198Argfs*35) in the PRKAR1A gene. It is expected to result in an absent or disrupted protein product.

Literature cited by the submitters: PubMed 11115848; PubMed 19293268.